The following is an entry in ClinVar:

NM_007373.4(SHOC2):c.171C>T (p.Ser57=)

Gene: SHOC2 (SHOC2 leucine rich repeat scaffold protein; plus strand). Cytogenetic location: 10q25.2.
Variant type: single nucleotide variant.
Coding change: c.171C>T on transcript NM_007373.4 (MANE Select); coding-DNA position 171, C replaced by T.
Protein change: p.Ser57=; no amino-acid change (serine 57 retained).
Molecular consequence: synonymous variant.
Genome position (GRCh38, 1-based): chr10:110,964,529, C>T. VCF-style: chr10-110964529-C-T. GRCh37 (hg19) VCF-style: chr10-112724287-C-T.
Other names: c.171C>T, p.Ser57= (NM_001269039.3, NM_001324336.2, NM_001324337.2).
Identifiers: ClinVar variation 505339 (VCV000505339.11), dbSNP rs1554857645, ClinGen allele CA471507752.

ClinVar aggregate classification (germline): Likely benign. Review status: criteria provided, multiple submitters, no conflicts (2 of 4 stars). 4 submissions from 4 submitters: Likely benign (4). Last evaluated 2025-09-02.

Conditions:
RASopathy. Also called: Noonan spectrum disorder; rasopathies. Identifiers: Orphanet 536391, MedGen C5555857, MONDO:0021060.
Cardiovascular phenotype. Identifiers: MedGen CN230736.

Allele frequency attached by ClinVar (database versions not stated): gnomAD 0.00001; gnomAD exomes 0.00001; TOPMed 0.00001.
gnomAD v4.1: 14 of 1,613,928 alleles (0.00087%); highest among the groups gnomAD compares: Middle Eastern, 0.033%; no homozygotes.

Submissions (4):

Labcorp Genetics (formerly Invitae), Labcorp
Classification: Likely benign for RASopathy. Last evaluated: 2025-09-02. Review status: criteria provided, single submitter. Criteria: Invitae Variant Classification Sherloc (09022015). Collection method: clinical testing. Allele origin: germline.

Ambry Genetics
Classification: Likely benign for Cardiovascular phenotype. Last evaluated: 2021-04-28. Review status: criteria provided, single submitter. Criteria: Ambry Variant Classification Scheme 2023. Collection method: clinical testing. Allele origin: germline.

Laboratory for Molecular Medicine, Mass General Brigham Personalized Medicine
Classification: Likely benign. Last evaluated: 2016-09-12. Review status: criteria provided, single submitter. Criteria: LMM Criteria. Collection method: clinical testing. Allele origin: germline. Observed: 1 variant allele.
Comment: p.Ser57Ser in exon 2 of SHOC2: This variant is not expected to have clinical sig nificance because it does not alter an amino acid residue and is not located wit hin the splice consensus sequence.

Breakthrough Genomics
Classification: Likely benign. Review status: criteria provided, single submitter. Criteria: ACMG Guidelines, 2015. Collection method: not provided. Allele origin: germline. Inheritance: Autosomal dominant inheritance. Affected: yes.